The following is an entry in ClinVar:

ClinVar aggregate classification (germline): Benign. Review status: criteria provided, multiple submitters, no conflicts (2 of 4 stars). 4 submissions from 4 submitters: Benign (3). 1 of the submissions does not count toward it. Last evaluated 2023-04-11.

Conditions:
Intellectual disability-microcephaly-strabismus-behavioral abnormalities syndrome. Also called: White-Sutton Syndrome. Identifiers: Orphanet 468678, MedGen C4225351, MONDO:0014606, OMIM 616364.
POGZ-related disorder. Also called: POGZ-related condition.

Allele frequency attached by ClinVar (database versions not stated): gnomAD 0.00023 and 0.00037; gnomAD exomes 0.00030 and 0.00065; TOPMed 0.00050; ExAC 0.00074; 1000 Genomes Project 30x 0.00125; 1000 Genomes Project 0.00160.
gnomAD v4.1: 497 of 1,614,212 alleles (0.031%); highest among the groups gnomAD compares: East Asian, 1%; 4 homozygotes.

Submissions (4):

Genome-Nilou Lab
Classification: Benign for Intellectual disability-microcephaly-strabismus-behavioral abnormalities syndrome. Last evaluated: 2023-04-11. Review status: criteria provided, single submitter. Criteria: ACMG Guidelines, 2015. Collection method: clinical testing. Allele origin: germline. Affected: no.

GeneDx
Classification: Benign. Last evaluated: 2021-05-05. Review status: criteria provided, single submitter. Criteria: GeneDx Variant Classification Process June 2021. Collection method: clinical testing. Allele origin: germline. Affected: yes.

Labcorp Genetics (formerly Invitae), Labcorp
Classification: Benign. Last evaluated: 2019-12-31. Review status: criteria provided, single submitter. Criteria: Invitae Variant Classification Sherloc (09022015). Collection method: clinical testing. Allele origin: germline.

PreventionGenetics, part of Exact Sciences
Classification: Benign for POGZ-related condition. Last evaluated: 2024-04-18. Review status: no assertion criteria provided. Collection method: clinical testing. Allele origin: germline. Not counted in ClinVar's aggregate classification.
Comment: This variant is classified as benign based on ACMG/AMP sequence variant interpretation guidelines (Richards et al. 2015 PMID: 25741868, with internal and published modifications).

NM_015100.4(POGZ):c.3024A>G (p.Arg1008=)

Gene: POGZ (pogo transposable element derived with ZNF domain; minus strand). Cytogenetic location: 1q21.3.
Variant type: single nucleotide variant.
Coding change: c.3024A>G on transcript NM_015100.4 (MANE Select); coding-DNA position 3024, A replaced by G.
Protein change: p.Arg1008=; no amino-acid change (arginine 1008 retained).
Molecular consequence: synonymous variant.
Genome position (GRCh38, 1-based): chr1:151,406,011, T>C on the plus strand (A>G on the coding strand, the complement: POGZ is on the minus strand). VCF-style: chr1-151406011-T-C. GRCh37 (hg19) VCF-style: chr1-151378487-T-C.
Other names: c.2997A>G, p.Arg999= (NM_001194937.2); c.2838A>G, p.Arg946= (NM_001194938.2); c.2739A>G, p.Arg913= (NM_145796.4); c.2865A>G, p.Arg955= (NM_207171.2).
Identifiers: ClinVar variation 713191 (VCV000713191.8), dbSNP rs147095604, ClinGen allele CA1091018.